The following is an entry in ClinVar:

ClinVar aggregate classification (germline): Uncertain significance. Review status: criteria provided, multiple submitters, no conflicts (2 of 4 stars). 2 submissions from 2 submitters: Uncertain significance (2). Last evaluated 2023-12-13.

Conditions:
Neurofibromatosis, type 1 (NF1). Also called: Neurofibromatosis, type I; VON RECKLINGHAUSEN DISEASE; NEUROFIBROMATOSIS, TYPE I, SOMATIC; Peripheral type neurofibromatosis. Identifiers: Orphanet 636, MedGen C0027831, MONDO:0018975, OMIM 162200. Disease mechanism: loss of function.

Submissions (2):

Labcorp Genetics (formerly Invitae), Labcorp
Classification: Uncertain significance for Neurofibromatosis, type 1. Last evaluated: 2023-12-13. Review status: criteria provided, single submitter. Criteria: Invitae Variant Classification Sherloc (09022015). Collection method: clinical testing. Allele origin: germline.
Comment: This sequence change replaces alanine, which is neutral and non-polar, with proline, which is neutral and non-polar, at codon 1895 of the NF1 protein (p.Ala1895Pro). The frequency data for this variant in the population databases is considered unreliable, as metrics indicate poor data quality at this position in the gnomAD database. This variant has not been reported in the literature in individuals affected with NF1-related conditions. ClinVar contains an entry for this variant (Variation ID: 996413). Advanced modeling of protein sequence and biophysical properties (such as structural, functional, and spatial information, amino acid conservation, physicochemical variation, residue mobility, and thermodynamic stability) performed at Invitae indicates that this missense variant is expected to disrupt NF1 protein function with a positive predictive value of 95%. In summary, the available evidence is currently insufficient to determine the role of this variant in disease. Therefore, it has been classified as a Variant of Uncertain Significance.

Genome Diagnostics Laboratory, The Hospital for Sick Children
Classification: Uncertain significance for Neurofibromatosis, type 1. Last evaluated: 2020-10-26. Review status: criteria provided, single submitter. Criteria: ACMG Guidelines, 2015. Collection method: clinical testing. Allele origin: germline. Affected: yes.

NM_001042492.3(NF1):c.5746G>C (p.Ala1916Pro)

Gene: NF1 (neurofibromin 1; plus strand). Cytogenetic location: 17q11.2.
Variant type: single nucleotide variant.
Coding change: c.5746G>C on transcript NM_001042492.3 (MANE Select); coding-DNA position 5746, G replaced by C.
Protein change: p.Ala1916Pro; replaces alanine 1916 with proline.
Molecular consequence: missense variant.
Genome position (GRCh38, 1-based): chr17:31,330,432, G>C. VCF-style: chr17-31330432-G-C. GRCh37 (hg19) VCF-style: chr17-29657450-G-C.
Other names: c.5683G>C, p.Ala1895Pro (NM_000267.4); short protein forms A1895P, A1916P.
Identifiers: ClinVar variation 996413 (VCV000996413.6), dbSNP rs62070718, ClinGen allele CA399010384.